The following is an entry in ClinVar:

NM_005732.4(RAD50):c.3877A>T (p.Ile1293Phe)

Genes: TH2LCRR (T helper type 2 locus control region associated RNA; minus strand), RAD50 (RAD50 double strand break repair protein; plus strand). Cytogenetic location: 5q31.1.
Variant type: single nucleotide variant.
Coding change: c.3877A>T on transcript NM_005732.4 (MANE Select); coding-DNA position 3877, A replaced by T.
Protein change: p.Ile1293Phe; replaces isoleucine 1293 with phenylalanine.
Molecular consequence: missense variant.
Genome position (GRCh38, 1-based): chr5:132,642,302, A>T. VCF-style: chr5-132642302-A-T. GRCh37 (hg19) VCF-style: chr5-131977994-A-T.
Other names: short protein forms I1293F.
Identifiers: ClinVar variation 969688 (VCV000969688.13), dbSNP rs762702502, ClinGen allele CA360937158.

ClinVar aggregate classification (germline): Uncertain significance. Review status: criteria provided, multiple submitters, no conflicts (2 of 4 stars). 2 submissions from 2 submitters: Uncertain significance (2). Last evaluated 2025-02-19.

Conditions:
Hereditary cancer-predisposing syndrome. Also called: Neoplastic Syndromes, Hereditary; Hereditary Cancer Syndrome; Tumor predisposition; Hereditary neoplastic syndrome. Identifiers: Orphanet 140162, MedGen C0027672, MeSH D009386, MONDO:0015356.

Submissions (2):

Ambry Genetics
Classification: Uncertain significance for Hereditary cancer-predisposing syndrome. Last evaluated: 2025-02-19. Review status: criteria provided, single submitter. Criteria: Ambry Variant Classification Scheme 2023. Collection method: clinical testing. Allele origin: germline.
Comment: The p.I1293F variant (also known as c.3877A>T), located in coding exon 25 of the RAD50 gene, results from an A to T substitution at nucleotide position 3877. The isoleucine at codon 1293 is replaced by phenylalanine, an amino acid with highly similar properties. This amino acid position is conserved. In addition, this alteration is predicted to be tolerated by in silico analysis. Since supporting evidence is limited at this time, the clinical significance of this alteration remains unclear.

Labcorp Genetics (formerly Invitae), Labcorp
Classification: Uncertain significance for Hereditary cancer-predisposing syndrome. Last evaluated: 2019-11-08. Review status: criteria provided, single submitter. Criteria: Invitae Variant Classification Sherloc (09022015). Collection method: clinical testing. Allele origin: germline.
Comment: This sequence change replaces isoleucine with phenylalanine at codon 1293 of the RAD50 protein (p.Ile1293Phe). The isoleucine residue is weakly conserved and there is a small physicochemical difference between isoleucine and phenylalanine. This variant is not present in population databases (ExAC no frequency). This variant has not been reported in the literature in individuals with RAD50-related conditions. Algorithms developed to predict the effect of missense changes on protein structure and function are either unavailable or do not agree on the potential impact of this missense change (SIFT: "Deleterious"; PolyPhen-2: "Benign"; Align-GVGD: "Class C0"). In summary, the available evidence is currently insufficient to determine the role of this variant in disease. Therefore, it has been classified as a Variant of Uncertain Significance.